The following is an entry in ClinVar:

NM_000218.3(KCNQ1):c.805G>C (p.Gly269Arg)

Gene: KCNQ1 (potassium voltage-gated channel subfamily Q member 1; plus strand). Cytogenetic location: 11p15.5.
Variant type: single nucleotide variant.
Coding change: c.805G>C on transcript NM_000218.3 (MANE Select); coding-DNA position 805, G replaced by C.
Protein change: p.Gly269Arg; replaces glycine 269 with arginine.
Molecular consequence: missense variant.
Genome position (GRCh38, 1-based): chr11:2,572,870, G>C. VCF-style: chr11-2572870-G-C. GRCh37 (hg19) VCF-style: chr11-2594100-G-C.
Other names: p.G269R:GGC>CGC; c.805G>C, p.Gly269Arg (NM_001406836.1); c.535G>C, p.Gly179Arg (NM_001406837.1); c.424G>C, p.Gly142Arg (NM_181798.2); short protein forms G142R, G269R, G179R.
Identifiers: ClinVar variation 200898 (VCV000200898.5), dbSNP rs120074193, ClinGen allele CA008284.

ClinVar aggregate classification (germline): Pathogenic/Likely pathogenic. Review status: criteria provided, multiple submitters, no conflicts (2 of 4 stars). 2 submissions from 2 submitters: Pathogenic (1); Likely pathogenic (1). Last evaluated 2011-12-01.

Conditions:
Long QT syndrome 1 (LQT1). Identifiers: Orphanet 101016, Orphanet 768, MedGen C4551647, MONDO:0100316, OMIM 192500, MONDO:0008646.

Submissions (2):

GeneDx
Classification: Pathogenic. Last evaluated: 2011-12-01. Review status: criteria provided, single submitter. Criteria: GeneDx Variant Classification (06012015). Collection method: clinical testing. Allele origin: germline. Affected: yes.
Comment: This missense change is denoted Gly269Arg (aka G269R) at the protein level and c.805 G>C at the cDNA level. Although the Gly269Arg mutation in the KCNQ1 gene has not been reported previously, two different mutations at the same position (Gly269Ser, Gly269Asp) have been reported multiple times in association with LQTS (Choi G et al, 2004, Wang Z et al., 2002, Tester et al., 2005, Chen S et al., 2003). In addition, mutations in nearby codons (Leu266Pro, Ile268Ser, Gly272Asp, Gly272Val) have also been reported in association with LQTS, further supporting the functional importance of this region of the protein. Gly269Arg results in a non-conservative amino acid substitution of a non polar Glycine with a positively charged Arginine at a residue that is conserved across species. The NHLBI ESP Exome Variant Server reports Gly269Arg was not observed in at least 5,108 individuals from Caucasian and African American backgrounds. The variant is found in LQT panel(s).

Petrovsky National Research Centre of Surgery, The Federal Agency for Scientific Organizations
Classification: Likely pathogenic for Long QT syndrome 1. Review status: criteria provided, single submitter. Criteria: ACMG Guidelines, 2015. Collection method: clinical testing. Allele origin: germline. Affected: yes.
Comment: This variant is absent in The Genome Aggregation Database (gnomAD) v4.1.0 (Date of access 17-12-2024). In accordance with ACMG(2015) criteria this variant is classified as Likely pathogenic (LP) with following criteria selected: РМ1_strong, РМ2, PP3.